The following is an entry in ClinVar:

NM_000264.5(PTCH1):c.2751C>T (p.Ser917=)

Gene: PTCH1 (patched 1; minus strand). Cytogenetic location: 9q22.32.
Variant type: single nucleotide variant.
Coding change: c.2751C>T on transcript NM_000264.5 (MANE Select); coding-DNA position 2751, C replaced by T.
Protein change: p.Ser917=; no amino-acid change (serine 917 retained).
Molecular consequence: synonymous variant. On other transcripts: non-coding transcript variant (1).
Genome position (GRCh38, 1-based): chr9:95,459,736, G>A on the plus strand (C>T on the coding strand, the complement: PTCH1 is on the minus strand). VCF-style: chr9-95459736-G-A. GRCh37 (hg19) VCF-style: chr9-98222018-G-A.
Other names: c.2553C>T, p.Ser851= (NM_001083602.3); c.2748C>T, p.Ser916= (NM_001083603.3); c.2298C>T, p.Ser766= (NM_001083604.3, NM_001083605.3, NM_001083606.3 and 1 more transcripts); c.2595C>T, p.Ser865= (NM_001354918.2).
Identifiers: ClinVar variation 524606 (VCV000524606.18), dbSNP rs768127089, ClinGen allele CA5138330.

ClinVar aggregate classification (germline): Likely benign. Review status: criteria provided, multiple submitters, no conflicts (2 of 4 stars). 3 submissions from 3 submitters: Likely benign (2). 1 of the submissions does not count toward it. Last evaluated 2025-12-29.

Conditions:
Gorlin syndrome. Also called: Basal cell nevus syndrome; Nevoid Basal Cell Carcinoma Syndrome. Identifiers: Orphanet 377, MedGen C0004779, MONDO:0007187.
PTCH1-related disorder. Also called: PTCH1-related disorders; PTCH1-related condition.
Hereditary cancer-predisposing syndrome. Also called: Neoplastic Syndromes, Hereditary; Tumor predisposition; Hereditary neoplastic syndrome; Hereditary Cancer Syndrome. Identifiers: Orphanet 140162, MedGen C0027672, MeSH D009386, MONDO:0015356.

Allele frequency attached by ClinVar (database versions not stated): ExAC 0.00002; TOPMed 0.00002; gnomAD 0.00003; gnomAD exomes 0.00004 and 0.00006.
gnomAD v4.1: 86 of 1,614,096 alleles (0.0053%); highest among the groups gnomAD compares: Non-Finnish European, 0.0061%; no homozygotes.

Submissions (3):

Labcorp Genetics (formerly Invitae), Labcorp
Classification: Likely benign for Gorlin syndrome. Last evaluated: 2025-12-29. Review status: criteria provided, single submitter. Criteria: Invitae Variant Classification Sherloc (09022015). Collection method: clinical testing. Allele origin: germline.

Ambry Genetics
Classification: Likely benign for Hereditary cancer-predisposing syndrome. Last evaluated: 2018-03-29. Review status: criteria provided, single submitter. Criteria: Ambry Variant Classification Scheme 2023. Collection method: clinical testing. Allele origin: germline.

PreventionGenetics, part of Exact Sciences
Classification: Likely benign for PTCH1-related condition. Last evaluated: 2020-09-30. Review status: no assertion criteria provided. Collection method: clinical testing. Allele origin: germline. Not counted in ClinVar's aggregate classification.
Comment: This variant is classified as likely benign based on ACMG/AMP sequence variant interpretation guidelines (Richards et al. 2015 PMID: 25741868, with internal and published modifications).